The following is an entry in ClinVar:

ClinVar aggregate classification (germline): Uncertain significance. Review status: criteria provided, single submitter (1 of 4 stars). 2 submissions from 2 submitters: Uncertain significance (1). 1 of the submissions does not count toward it. Last evaluated 2024-10-16.

Conditions:
Familial long QT syndrome (RWS). Also called: Romano-Ward syndrome; VENTRICULAR FIBRILLATION WITH PROLONGED QT INTERVAL; Congenital long QT syndrome. Identifiers: Orphanet 768, MedGen C1141890, MONDO:0019171.

gnomAD v4.1: 21 of 1,614,154 alleles (0.0013%); highest among the groups gnomAD compares: Middle Eastern, 0.016%; no homozygotes.

Submissions (2):

Ambry Genetics
Classification: Uncertain significance. Last evaluated: 2024-10-16. Review status: criteria provided, single submitter. Criteria: Ambry Variant Classification Scheme 2023. Collection method: clinical testing. Allele origin: germline.

Genetics and Genomics Program, Sidra Medicine
Classification: Uncertain significance for Isolated congenital long QT syndrome. Review status: no assertion criteria provided. Collection method: research. Allele origin: unknown. Affected: yes. Not counted in ClinVar's aggregate classification.
Comment: The c.418G>C missense variant in VEPH1 is absent from population databases (PM2). ACMG codes: PM1, PM2.

NM_001167912.2(VEPH1):c.418G>C (p.Gly140Arg)

Gene: VEPH1 (ventricular zone expressed PH domain containing 1; minus strand). Cytogenetic location: 3q25.32.
Variant type: single nucleotide variant.
Coding change: c.418G>C on transcript NM_001167912.2 (MANE Select); coding-DNA position 418, G replaced by C.
Protein change: p.Gly140Arg; replaces glycine 140 with arginine.
Molecular consequence: missense variant.
Genome position (GRCh38, 1-based): chr3:157,460,292, C>G on the plus strand (G>C on the coding strand, the complement: VEPH1 is on the minus strand). VCF-style: chr3-157460292-C-G. GRCh37 (hg19) VCF-style: chr3-157178081-C-G.
Other names: c.418G>C, p.Gly140Arg (NM_001167911.2, NM_001167915.3, NM_001167916.3 and 2 more transcripts); short protein forms G140R.
Identifiers: ClinVar variation 3358897 (VCV003358897.2).